The following is an entry in ClinVar:

ClinVar aggregate classification (germline): Likely benign. Review status: criteria provided, multiple submitters, no conflicts (2 of 4 stars). 4 submissions from 4 submitters: Likely benign (4). Last evaluated 2026-05-11.

Conditions:
Neurofibromatosis, type 1 (NF1). Also called: VON RECKLINGHAUSEN DISEASE; NEUROFIBROMATOSIS, TYPE I, SOMATIC; Peripheral type neurofibromatosis; Neurofibromatosis, type I. Identifiers: Orphanet 636, MedGen C0027831, MONDO:0018975, OMIM 162200. Disease mechanism: loss of function.
NF1-related disorder. Also called: NF1-related condition. Identifiers: MedGen CN379171.

Allele frequency attached by ClinVar (database versions not stated): gnomAD exomes 0.00001 and 0.00002; TOPMed 0.00001.
gnomAD v4.1: 22 of 1,612,782 alleles (0.0014%); highest among the groups gnomAD compares: Non-Finnish European, 0.0018%; no homozygotes.

Submissions (4):

Myriad Genetics, Inc.
Classification: Likely benign for Neurofibromatosis, type 1. Last evaluated: 2026-05-11. Review status: criteria provided, single submitter. Criteria: Myriad Autosomal Dominant, Autosomal Recessive and X-Linked Classification Criteria (2023). Collection method: clinical testing. Allele origin: unknown.
Comment: This variant is considered likely benign. This variant is intronic and is not expected to impact mRNA splicing.

Labcorp Genetics (formerly Invitae), Labcorp
Classification: Likely benign for Neurofibromatosis, type 1. Last evaluated: 2026-01-20. Review status: criteria provided, single submitter. Criteria: Invitae Variant Classification Sherloc (09022015). Collection method: clinical testing. Allele origin: germline.

PreventionGenetics, part of Exact Sciences
Classification: Likely benign for NF1-related condition. Last evaluated: 2025-05-12. Review status: criteria provided, single submitter. Criteria: ACMG Guidelines, 2015. Collection method: clinical testing. Allele origin: germline.
Comment: This variant is classified as likely benign based on ACMG/AMP sequence variant interpretation guidelines (Richards et al. 2015 PMID: 25741868, with internal and published modifications).

Blueprint Genetics
Classification: Likely benign. Last evaluated: 2021-11-24. Review status: criteria provided, single submitter. Criteria: ACMG Guidelines, 2015. Collection method: clinical testing. Allele origin: germline.

NM_001042492.3(NF1):c.1063-16G>T

Gene: NF1 (neurofibromin 1; plus strand). Cytogenetic location: 17q11.2.
Variant type: single nucleotide variant.
Coding change: c.1063-16G>T on transcript NM_001042492.3 (MANE Select); 16 bases into the intron before coding-DNA position 1063, G replaced by T.
Molecular consequence: intron variant.
Genome position (GRCh38, 1-based): chr17:31,201,021, G>T. VCF-style: chr17-31201021-G-T. GRCh37 (hg19) VCF-style: chr17-29528039-G-T.
Other names: c.1063-16G>T (NM_001042492.2, NM_000267.4, NM_001128147.3).
Identifiers: ClinVar variation 1657897 (VCV001657897.11), dbSNP rs200652866, ClinGen allele CA289349040.
Genomic context (GRCh38, chr17:31,201,021, plus strand): 5'-TGATGTTATTACATGTTAGTAAAGAAATACTGCATGGGTATTTAAAGGCTTTTGTTTTCT[G>T]TTGGGGTTTTTATAGAACCTGCTTTTTAATCCAAGTAAGCCATTCTCAAGAGGCAGTCAG-3'